The following is an entry in ClinVar:

ClinVar aggregate classification (germline): Uncertain significance (1 of 4 stars; one submission).

Submission:

Labcorp Genetics (formerly Invitae), Labcorp
Classification: Uncertain significance. Last evaluated: 2023-04-22. Review status: criteria provided, single submitter. Criteria: Invitae Variant Classification Sherloc (09022015). Collection method: clinical testing. Allele origin: germline.
Comment: In summary, the available evidence is currently insufficient to determine the role of this variant in disease. Therefore, it has been classified as a Variant of Uncertain Significance. Advanced modeling of protein sequence and biophysical properties (such as structural, functional, and spatial information, amino acid conservation, physicochemical variation, residue mobility, and thermodynamic stability) performed at Invitae indicates that this missense variant is not expected to disrupt NEFH protein function. This variant has not been reported in the literature in individuals affected with NEFH-related conditions. This variant is not present in population databases (gnomAD no frequency). This sequence change replaces arginine, which is basic and polar, with leucine, which is neutral and non-polar, at codon 192 of the NEFH protein (p.Arg192Leu).

NM_021076.4(NEFH):c.575G>T (p.Arg192Leu)

Gene: NEFH (neurofilament heavy chain; plus strand). Cytogenetic location: 22q12.2.
Variant type: single nucleotide variant.
Coding change: c.575G>T on transcript NM_021076.4 (MANE Select); coding-DNA position 575, G replaced by T.
Protein change: p.Arg192Leu; replaces arginine 192 with leucine.
Molecular consequence: missense variant.
Genome position (GRCh38, 1-based): chr22:29,480,837, G>T. VCF-style: chr22-29480837-G-T. GRCh37 (hg19) VCF-style: chr22-29876826-G-T.
Other names: short protein forms R192L.
Identifiers: ClinVar variation 2880416 (VCV002880416.3), dbSNP rs2063001424, ClinGen allele CA411123229.